The following is an entry in ClinVar:

ClinVar aggregate classification (germline): Uncertain significance. Review status: criteria provided, multiple submitters, no conflicts (2 of 4 stars). 2 submissions from 2 submitters: Uncertain significance (2). Last evaluated 2024-06-03.

gnomAD v4.1: 13 of 1,613,346 alleles (0.00081%); highest among the groups gnomAD compares: Admixed American, 0.005%; no homozygotes.

Submissions (2):

Labcorp Genetics (formerly Invitae), Labcorp
Classification: Uncertain significance. Last evaluated: 2024-06-03. Review status: criteria provided, single submitter. Criteria: Invitae Variant Classification Sherloc (09022015). Collection method: clinical testing. Allele origin: germline.
Comment: This sequence change replaces glycine, which is neutral and non-polar, with alanine, which is neutral and non-polar, at codon 135 of the AKR1C4 protein (p.Gly135Ala). This variant is present in population databases (no rsID available, gnomAD 0.006%). This variant has not been reported in the literature in individuals affected with AKR1C4-related conditions. ClinVar contains an entry for this variant (Variation ID: 2640284). An algorithm developed to predict the effect of missense changes on protein structure and function (PolyPhen-2) suggests that this variant is likely to be disruptive. In summary, the available evidence is currently insufficient to determine the role of this variant in disease. Therefore, it has been classified as a Variant of Uncertain Significance.

CeGaT Center for Human Genetics Tuebingen
Classification: Uncertain significance. Last evaluated: 2022-11-01. Review status: criteria provided, single submitter. Criteria: CeGaT Center For Human Genetics Tuebingen Variant Classification Criteria Version 2. Collection method: clinical testing. Allele origin: germline. Affected: yes. Observed: 1 variant allele.
Comment: AKR1C4: PM2, BP4

NM_001818.5(AKR1C4):c.404G>C (p.Gly135Ala)

Gene: AKR1C4 (aldo-keto reductase family 1 member C4; plus strand). Cytogenetic location: 10p15.1.
Variant type: single nucleotide variant.
Coding change: c.404G>C on transcript NM_001818.5 (MANE Select); coding-DNA position 404, G replaced by C.
Protein change: p.Gly135Ala; replaces glycine 135 with alanine.
Molecular consequence: missense variant.
Genome position (GRCh38, 1-based): chr10:5,205,791, G>C. VCF-style: chr10-5205791-G-C. GRCh37 (hg19) VCF-style: chr10-5247754-G-C.
Other names: short protein forms G135A.
Identifiers: ClinVar variation 2640284 (VCV002640284.26), dbSNP rs11253043, ClinGen allele CA375889082.